The following is an entry in ClinVar:

ClinVar aggregate classification (germline): Uncertain significance. Review status: criteria provided, multiple submitters, no conflicts (2 of 4 stars). 3 submissions from 3 submitters: Uncertain significance (3). Last evaluated 2024-12-25.

Conditions:
Inborn genetic diseases. Identifiers: MedGen C0950123, MeSH D030342.
Wolcott-Rallison dysplasia. Also called: MED-IDDM SYNDROME; Wolcott-Rallison syndrome. Identifiers: Orphanet 1667, MedGen C0432217, MONDO:0009192, OMIM 226980.

Allele frequency attached by ClinVar (database versions not stated): TOPMed 0.00007; ESP Exome Variant Server 0.00015; 1000 Genomes Project 0.00020; 1000 Genomes Project 30x 0.00031.
gnomAD v4.1: 32 of 1,614,132 alleles (0.002%); highest among the groups gnomAD compares: African/African-American, 0.037%; no homozygotes.

Submissions (3):

Ambry Genetics
Classification: Uncertain significance for Inborn genetic diseases. Last evaluated: 2024-12-25. Review status: criteria provided, single submitter. Criteria: Ambry Variant Classification Scheme 2023. Collection method: clinical testing. Allele origin: germline.

Fulgent Genetics
Classification: Uncertain significance for Wolcott-Rallison dysplasia. Last evaluated: 2024-03-04. Review status: criteria provided, single submitter. Criteria: ACMG Guidelines, 2015. Collection method: clinical testing. Allele origin: germline.

Labcorp Genetics (formerly Invitae), Labcorp
Classification: Uncertain significance. Last evaluated: 2022-01-12. Review status: criteria provided, single submitter. Criteria: Invitae Variant Classification Sherloc (09022015). Collection method: clinical testing. Allele origin: germline.
Comment: This sequence change replaces histidine, which is basic and polar, with glutamine, which is neutral and polar, at codon 1110 of the EIF2AK3 protein (p.His1110Gln). This variant is present in population databases (rs145982613, gnomAD 0.04%). This variant has not been reported in the literature in individuals affected with EIF2AK3-related conditions. ClinVar contains an entry for this variant (Variation ID: 1001118). Algorithms developed to predict the effect of missense changes on protein structure and function output the following: SIFT: "Tolerated"; PolyPhen-2: "Benign"; Align-GVGD: "Class C0". The glutamine amino acid residue is found in multiple mammalian species, which suggests that this missense change does not adversely affect protein function. In summary, the available evidence is currently insufficient to determine the role of this variant in disease. Therefore, it has been classified as a Variant of Uncertain Significance.

NM_004836.7(EIF2AK3):c.3330T>A (p.His1110Gln)

Genes: EIF2AK3 (eukaryotic translation initiation factor 2 alpha kinase 3; minus strand), EIF2AK3-AS1 (EIF2AK3 antisense RNA 1; plus strand). Cytogenetic location: 2p11.2.
Variant type: single nucleotide variant.
Coding change: c.3330T>A on transcript NM_004836.7 (MANE Select); coding-DNA position 3330, T replaced by A.
Protein change: p.His1110Gln; replaces histidine 1110 with glutamine.
Molecular consequence: missense variant.
Genome position (GRCh38, 1-based): chr2:88,557,757, A>T on the plus strand (T>A on the coding strand, the complement: EIF2AK3 is on the minus strand). VCF-style: chr2-88557757-A-T. GRCh37 (hg19) VCF-style: chr2-88857275-A-T.
Other names: c.3330T>A (NM_004836.5); c.2877T>A, p.His959Gln (NM_001313915.2); short protein forms H1110Q, H959Q.
Identifiers: ClinVar variation 1001118 (VCV001001118.8), dbSNP rs145982613, ClinGen allele CA1754275.